The following is an entry in ClinVar:

NM_000059.4(BRCA2):c.13T>C (p.Ser5Pro)

Gene: BRCA2 (BRCA2 DNA repair associated; plus strand). Cytogenetic location: 13q13.1.
Variant type: single nucleotide variant.
Coding change: c.13T>C on transcript NM_000059.4 (MANE Select); coding-DNA position 13, T replaced by C.
Protein change: p.Ser5Pro; replaces serine 5 with proline.
Molecular consequence: missense variant.
Genome position (GRCh38, 1-based): chr13:32,316,473, T>C. VCF-style: chr13-32316473-T-C. GRCh37 (hg19) VCF-style: chr13-32890610-T-C.
Other names: short protein forms S5P.
Identifiers: ClinVar variation 921745 (VCV000921745.14), dbSNP rs1478936460, ClinGen allele CA387752920.

ClinVar aggregate classification (germline): Uncertain significance. Review status: criteria provided, multiple submitters, no conflicts (2 of 4 stars). 3 submissions from 3 submitters: Uncertain significance (3). Last evaluated 2024-06-28.

Conditions:
Hereditary cancer-predisposing syndrome. Also called: Neoplastic Syndromes, Hereditary; Tumor predisposition; Hereditary Cancer Syndrome; Hereditary neoplastic syndrome. Identifiers: Orphanet 140162, MedGen C0027672, MeSH D009386, MONDO:0015356.
Hereditary breast ovarian cancer syndrome. Also called: BRCA1- and BRCA2-Associated Hereditary Breast and Ovarian Cancer; Hereditary breast and ovarian cancer syndrome; Hereditary breast and ovarian cancer; Hereditary breast and ovarian cancer syndrome (HBOC); Breast and ovarian cancer; Hereditary breast and/or ovarian cancer syndrome. Identifiers: Orphanet 145, MedGen C0677776, MeSH D061325, MONDO:0003582. Disease mechanism: loss of function.

Allele frequency attached by ClinVar (database versions not stated): gnomAD 0.00001; TOPMed 0.00001.
gnomAD v4.1: 2 of 1,613,874 alleles (0.00012%); highest among the groups gnomAD compares: African/African-American, 0.0027%; no homozygotes.

Submissions (3):

Labcorp Genetics (formerly Invitae), Labcorp
Classification: Uncertain significance for Hereditary breast ovarian cancer syndrome. Last evaluated: 2024-06-28. Review status: criteria provided, single submitter. Criteria: Invitae Variant Classification Sherloc (09022015). Collection method: clinical testing. Allele origin: germline.
Comment: This sequence change replaces serine, which is neutral and polar, with proline, which is neutral and non-polar, at codon 5 of the BRCA2 protein (p.Ser5Pro). This variant is not present in population databases (gnomAD no frequency). This missense change has been observed in individual(s) with clinical features of BRCA2-related conditions (PMID: 21520333). ClinVar contains an entry for this variant (Variation ID: 921745). Advanced modeling of protein sequence and biophysical properties (such as structural, functional, and spatial information, amino acid conservation, physicochemical variation, residue mobility, and thermodynamic stability) performed at Invitae indicates that this missense variant is not expected to disrupt BRCA2 protein function with a negative predictive value of 95%. In summary, the available evidence is currently insufficient to determine the role of this variant in disease. Therefore, it has been classified as a Variant of Uncertain Significance.

Color Diagnostics, LLC DBA Color Health
Classification: Uncertain significance for Hereditary cancer-predisposing syndrome. Last evaluated: 2023-06-14. Review status: criteria provided, single submitter. Criteria: ACMG Guidelines, 2015. Collection method: clinical testing. Allele origin: germline.
Comment: This missense variant replaces serine with proline at codon 5 of the BRCA2 protein. Computational prediction suggests that this variant may not impact protein structure and function (internally defined REVEL score threshold <= 0.5, PMID: 27666373). To our knowledge, functional studies have not been reported for this variant. This variant has not been reported in individuals affected with BRCA2-related disorders in the literature. This variant has not been identified in the general population by the Genome Aggregation Database (gnomAD). The available evidence is insufficient to determine the role of this variant in disease conclusively. Therefore, this variant is classified as a Variant of Uncertain Significance.

Ambry Genetics
Classification: Uncertain significance for Hereditary cancer-predisposing syndrome. Last evaluated: 2021-11-12. Review status: criteria provided, single submitter. Criteria: Ambry Variant Classification Scheme 2023. Collection method: clinical testing. Allele origin: germline.
Comment: The p.S5P variant (also known as c.13T>C), located in coding exon 1 of the BRCA2 gene, results from a T to C substitution at nucleotide position 13. The serine at codon 5 is replaced by proline, an amino acid with similar properties. This amino acid position is conserved. In addition, this alteration is predicted to be tolerated by in silico analysis. Since supporting evidence is limited at this time, the clinical significance of this alteration remains unclear.

Literature cited by the submitters: PubMed 21520333 (cited by Labcorp Genetics (formerly Invitae), Labcorp).